The following is an entry in ClinVar:

NM_152703.5(SAMD9L):c.1111_1112del (p.Lys371fs)

Gene: SAMD9L (sterile alpha motif domain containing 9 like; minus strand). Cytogenetic location: 7q21.2.
Variant type: Deletion.
Coding change: c.1111_1112del on transcript NM_152703.5 (MANE Select); coding-DNA positions 1111 to 1112, 2 bases deleted (AA; older notation c.1111_1112delAA).
Protein change: p.Lys371fs; shifts the reading frame from lysine 371.
Molecular consequence: frameshift variant.
Genome position (GRCh38, 1-based): chr7:93,134,860-93,134,861, TT deleted on the plus strand (AA on the coding strand, the reverse complement: SAMD9L is on the minus strand); deleting any 2 consecutive bases within chr7:93,134,860-93,134,862 gives the same sequence; the c. name uses the placement nearest the transcript's 3' end. VCF-style (leftmost placement, unchanged base first): chr7-93134859-CTT-C. GRCh37 (hg19) VCF-style: chr7-92764172-CTT-C.
Other names: c.1111_1112del, p.Lys371fs (NM_001303496.3, NM_001303497.3, NM_001303498.3 and 5 more transcripts); short protein forms K371fs.
Identifiers: ClinVar variation 3257505 (VCV003257505.17).
Genomic context (GRCh38, chr7:93,134,859, plus strand): 5'-CTTCTTCATTGCCTTCATTCCATACTCTTCTTCAGCCTCTTTTCTAGATGCTACCAGTGA[CTT>C]TAAATTTTGTAAAAATGCCTTGAAATCTACATCCCGTTGCTTGGAATTGGCCAGGATATC-3'

ClinVar aggregate classification (germline): Uncertain significance (1 of 4 stars; one submission).

Submission:

CeGaT Center for Human Genetics Tuebingen
Classification: Uncertain significance. Last evaluated: 2024-07-01. Review status: criteria provided, single submitter. Criteria: CeGaT Center For Human Genetics Tuebingen Variant Classification Criteria Version 2. Collection method: clinical testing. Allele origin: germline. Affected: yes. Observed: 1 variant allele.
Comment: SAMD9L: PM2